The following is an entry in ClinVar:

NM_001190787.3(MCIDAS):c.821G>A (p.Gly274Glu)

Gene: MCIDAS (multiciliate differentiation and DNA synthesis associated cell cycle protein; minus strand). Cytogenetic location: 5q11.2.
Variant type: single nucleotide variant.
Coding change: c.821G>A on transcript NM_001190787.3 (MANE Select); coding-DNA position 821, G replaced by A.
Protein change: p.Gly274Glu; replaces glycine 274 with glutamic acid.
Molecular consequence: missense variant.
Genome position (GRCh38, 1-based): chr5:55,220,703, C>T on the plus strand (G>A on the coding strand, the complement: MCIDAS is on the minus strand). VCF-style: chr5-55220703-C-T. GRCh37 (hg19) VCF-style: chr5-54516531-C-T.
Other names: short protein forms G274E.
Identifiers: ClinVar variation 238622 (VCV000238622.22), dbSNP rs181843638, ClinGen allele CA3266556.

ClinVar aggregate classification (germline): Benign/Likely benign. Review status: criteria provided, multiple submitters, no conflicts (2 of 4 stars). 4 submissions from 4 submitters: Benign (2); Likely benign (2). Last evaluated 2026-03-01.

Conditions:
Ciliary dyskinesia, primary, 42. Also called: CILIARY DYSKINESIA, PRIMARY, 42, WITHOUT SITUS INVERSUS. Identifiers: MedGen C5231464, MONDO:0032872, OMIM 618695.
Primary ciliary dyskinesia. Also called: Ciliary dyskinesia. Identifiers: Orphanet 244, MedGen C0008780, MONDO:0016575, HP:0012265.
Inborn genetic diseases. Identifiers: MedGen C0950123, MeSH D030342.

Allele frequency attached by ClinVar (database versions not stated): gnomAD exomes 0.00054 and 0.00386; 1000 Genomes Project 30x 0.00062; 1000 Genomes Project 0.00080; gnomAD 0.00127; TOPMed 0.00205; ExAC 0.00024.
gnomAD v4.1: 931 of 1,536,024 alleles (0.061%); highest among the groups gnomAD compares: Admixed American, 1.4%; 10 homozygotes.

Submissions (4):

CeGaT Center for Human Genetics Tuebingen
Classification: Likely benign. Last evaluated: 2026-03-01. Review status: criteria provided, single submitter. Criteria: CeGaT Center For Human Genetics Tuebingen Variant Classification Criteria Version 2. Collection method: clinical testing. Allele origin: germline. Affected: yes. Observed: 2 variant alleles.
Comment: MCIDAS: BS1

Labcorp Genetics (formerly Invitae), Labcorp
Classification: Benign for Primary ciliary dyskinesia. Last evaluated: 2026-02-01. Review status: criteria provided, single submitter. Criteria: Invitae Variant Classification Sherloc (09022015). Collection method: clinical testing. Allele origin: germline.

ARUP Laboratories, Molecular Genetics and Genomics, ARUP Laboratories
Classification: Benign for Ciliary dyskinesia, primary, 42. Last evaluated: 2025-06-25. Review status: criteria provided, single submitter. Criteria: ARUP Molecular Germline Variant Investigation Process 2024. Collection method: clinical testing. Allele origin: germline.

Ambry Genetics
Classification: Likely benign for Inborn genetic diseases. Last evaluated: 2021-08-23. Review status: criteria provided, single submitter. Criteria: Ambry Variant Classification Scheme 2023. Collection method: clinical testing. Allele origin: germline.